The following is an entry in ClinVar:

NM_000059.4(BRCA2):c.6619A>G (p.Thr2207Ala)

Gene: BRCA2 (BRCA2 DNA repair associated; plus strand). Cytogenetic location: 13q13.1.
Variant type: single nucleotide variant.
Coding change: c.6619A>G on transcript NM_000059.4 (MANE Select); coding-DNA position 6619, A replaced by G.
Protein change: p.Thr2207Ala; replaces threonine 2207 with alanine.
Molecular consequence: missense variant.
Genome position (GRCh38, 1-based): chr13:32,340,974, A>G. VCF-style: chr13-32340974-A-G. GRCh37 (hg19) VCF-style: chr13-32915111-A-G.
Other names: short protein forms T2207A.
Identifiers: ClinVar variation 479298 (VCV000479298.17), dbSNP rs1555284772, ClinGen allele CA16622064.

ClinVar aggregate classification (germline): Conflicting classifications of pathogenicity. Review status: criteria provided, conflicting classifications (1 of 4 stars). 4 submissions from 4 submitters: Uncertain significance (3); Likely benign (1). Last evaluated 2024-10-16.

Conditions:
Hereditary cancer-predisposing syndrome. Also called: Neoplastic Syndromes, Hereditary; Hereditary Cancer Syndrome; Hereditary neoplastic syndrome; Tumor predisposition. Identifiers: Orphanet 140162, MedGen C0027672, MeSH D009386, MONDO:0015356.
Hereditary breast ovarian cancer syndrome. Also called: Hereditary breast and ovarian cancer syndrome (HBOC); Hereditary breast and ovarian cancer syndrome; Breast and ovarian cancer; BRCA1- and BRCA2-Associated Hereditary Breast and Ovarian Cancer; Hereditary breast and ovarian cancer; Hereditary breast and/or ovarian cancer syndrome. Identifiers: Orphanet 145, MedGen C0677776, MeSH D061325, MONDO:0003582. Disease mechanism: loss of function.

Allele frequency attached by ClinVar (database versions not stated): gnomAD exomes below 0.00001; TOPMed below 0.00001; gnomAD 0.00001.
gnomAD v4.1: 4 of 1,607,552 alleles (0.00025%); highest among the groups gnomAD compares: Non-Finnish European, 0.00034%; no homozygotes.

Submissions (4):

Labcorp Genetics (formerly Invitae), Labcorp
Classification: Uncertain significance for Hereditary breast ovarian cancer syndrome. Last evaluated: 2024-10-16. Review status: criteria provided, single submitter. Criteria: Invitae Variant Classification Sherloc (09022015). Collection method: clinical testing. Allele origin: germline.
Comment: This sequence change replaces threonine, which is neutral and polar, with alanine, which is neutral and non-polar, at codon 2207 of the BRCA2 protein (p.Thr2207Ala). This variant is not present in population databases (gnomAD no frequency). This variant has not been reported in the literature in individuals affected with BRCA2-related conditions. ClinVar contains an entry for this variant (Variation ID: 479298). Invitae Evidence Modeling of protein sequence and biophysical properties (such as structural, functional, and spatial information, amino acid conservation, physicochemical variation, residue mobility, and thermodynamic stability) indicates that this missense variant is not expected to disrupt BRCA2 protein function with a negative predictive value of 95%. In summary, the available evidence is currently insufficient to determine the role of this variant in disease. Therefore, it has been classified as a Variant of Uncertain Significance.

Ambry Genetics
Classification: Uncertain significance for Hereditary cancer-predisposing syndrome. Last evaluated: 2024-06-11. Review status: criteria provided, single submitter. Criteria: Ambry Variant Classification Scheme 2023. Collection method: clinical testing. Allele origin: germline.
Comment: The p.T2207A variant (also known as c.6619A>G), located in coding exon 10 of the BRCA2 gene, results from an A to G substitution at nucleotide position 6619. The threonine at codon 2207 is replaced by alanine, an amino acid with similar properties. This amino acid position is not well conserved in available vertebrate species. In addition, the in silico prediction for this alteration is inconclusive. Since supporting evidence is limited at this time, the clinical significance of this alteration remains unclear.

University of Washington Department of Laboratory Medicine, University of Washington
Classification: Likely benign for Hereditary cancer-predisposing syndrome. Last evaluated: 2023-03-23. Review status: criteria provided, single submitter. Criteria: Dines et al. (Genet Med. 2020). Collection method: curation. Allele origin: germline.
Comment: Missense variant in a coldspot region where missense variants are very unlikely to be pathogenic (PMID:31911673).

BRCA2 exon 11 coldspot. Reclassification based on statistical prior probability.

GeneDx
Classification: Uncertain significance. Last evaluated: 2022-01-27. Review status: criteria provided, single submitter. Criteria: GeneDx Variant Classification Process June 2021. Collection method: clinical testing. Allele origin: germline. Affected: yes.
Comment: Not observed at significant frequency in large population cohorts (gnomAD); In silico analysis supports that this missense variant does not alter protein structure/function; Has not been previously published as pathogenic or benign to our knowledge; Also known as 6847A>G